The following is an entry in ClinVar:

ClinVar aggregate classification (germline): Benign. Review status: criteria provided, multiple submitters, no conflicts (2 of 4 stars). 4 submissions from 4 submitters: Benign (3). 1 of the submissions does not count toward it. Last evaluated 2026-01-26.

Conditions:
ADAMTS9-related disorder. Also called: ADAMTS9-related condition.

Allele frequency attached by ClinVar (database versions not stated): ESP Exome Variant Server 0.05075; ExAC 0.07938; gnomAD exomes 0.09050; TOPMed 0.10516; 1000 Genomes Project 0.12740; 1000 Genomes Project 30x 0.13210.
gnomAD v4.1: 52,839 of 1,612,896 alleles (3.3%); highest among the groups gnomAD compares: Admixed American, 37%; 6,917 homozygotes.

Submissions (4):

Labcorp Genetics (formerly Invitae), Labcorp
Classification: Benign. Last evaluated: 2026-01-26. Review status: criteria provided, single submitter. Criteria: Invitae Variant Classification Sherloc (09022015). Collection method: clinical testing. Allele origin: germline.

GeneDx
Classification: Benign. Last evaluated: 2021-05-04. Review status: criteria provided, single submitter. Criteria: GeneDx Variant Classification Process June 2021. Collection method: clinical testing. Allele origin: germline. Affected: yes.

Breakthrough Genomics
Classification: Benign. Review status: criteria provided, single submitter. Criteria: ACMG Guidelines, 2015. Collection method: not provided. Allele origin: germline. Inheritance: Unknown mechanism. Affected: yes.

PreventionGenetics, part of Exact Sciences
Classification: Benign for ADAMTS9-related condition. Last evaluated: 2019-05-28. Review status: no assertion criteria provided. Collection method: clinical testing. Allele origin: germline. Not counted in ClinVar's aggregate classification.
Comment: This variant is classified as benign based on ACMG/AMP sequence variant interpretation guidelines (Richards et al. 2015 PMID: 25741868, with internal and published modifications).

NM_182920.2(ADAMTS9):c.5022C>G (p.Asp1674Glu)

Gene: ADAMTS9 (ADAM metallopeptidase with thrombospondin type 1 motif 9; minus strand). Cytogenetic location: 3p14.1.
Variant type: single nucleotide variant.
Coding change: c.5022C>G on transcript NM_182920.2 (MANE Select); coding-DNA position 5022, C replaced by G.
Protein change: p.Asp1674Glu; replaces aspartic acid 1674 with glutamic acid.
Molecular consequence: missense variant.
Genome position (GRCh38, 1-based): chr3:64,546,800, G>C on the plus strand (C>G on the coding strand, the complement: ADAMTS9 is on the minus strand). VCF-style: chr3-64546800-G-C. GRCh37 (hg19) VCF-style: chr3-64532476-G-C.
Other names: c.4938C>G, p.Asp1646Glu (NM_001318781.2); short protein forms D1646E, D1674E.
Identifiers: ClinVar variation 1287404 (VCV001287404.12), dbSNP rs6787633, ClinGen allele CA2480313.